The following is an entry in ClinVar:

ClinVar aggregate classification (germline): Uncertain significance (1 of 4 stars; one submission).

Conditions:
Hereditary pheochromocytoma and paraganglioma. Also called: Hereditary paragangliomas and pheochromocytomas; Hereditary Paraganglioma-Pheochromocytoma Syndromes; Hereditary pheochromocytoma-paraganglioma. Identifiers: Orphanet 29072, MedGen C4274332, MONDO:0017366.

gnomAD v4.1: 2 of 1,614,242 alleles (0.00012%); highest among the groups gnomAD compares: Non-Finnish European, 0.000085%; no homozygotes.

Submission:

Labcorp Genetics (formerly Invitae), Labcorp
Classification: Uncertain significance for Hereditary pheochromocytoma and paraganglioma. Last evaluated: 2023-02-03. Review status: criteria provided, single submitter. Criteria: Invitae Variant Classification Sherloc (09022015). Collection method: clinical testing. Allele origin: germline.
Comment: This variant has not been reported in the literature in individuals affected with TMEM127-related conditions. In summary, the available evidence is currently insufficient to determine the role of this variant in disease. Therefore, it has been classified as a Variant of Uncertain Significance. Algorithms developed to predict the effect of missense changes on protein structure and function (SIFT, PolyPhen-2, Align-GVGD) all suggest that this variant is likely to be tolerated. This variant is not present in population databases (gnomAD no frequency). This sequence change replaces leucine, which is neutral and non-polar, with valine, which is neutral and non-polar, at codon 105 of the TMEM127 protein (p.Leu105Val).

NM_017849.4(TMEM127):c.313C>G (p.Leu105Val)

Gene: TMEM127 (transmembrane protein 127; minus strand). Cytogenetic location: 2q11.2.
Variant type: single nucleotide variant.
Coding change: c.313C>G on transcript NM_017849.4 (MANE Select); coding-DNA position 313, C replaced by G.
Protein change: p.Leu105Val; replaces leucine 105 with valine.
Molecular consequence: missense variant.
Genome position (GRCh38, 1-based): chr2:96,254,929, G>C on the plus strand (C>G on the coding strand, the complement: TMEM127 is on the minus strand). VCF-style: chr2-96254929-G-C. GRCh37 (hg19) VCF-style: chr2-96920667-G-C.
Other names: c.313C>G, p.Leu105Val (NM_001193304.3); c.61C>G, p.Leu21Val (NM_001407282.1, NM_001407283.1); short protein forms L21V, L105V.
Identifiers: ClinVar variation 2834042 (VCV002834042.3), dbSNP rs754465684, ClinGen allele CA347653482.